The following is an entry in ClinVar:

NM_001395490.1(TRERF1):c.3450C>G (p.Pro1150=)

Gene: TRERF1 (transcriptional regulating factor 1; minus strand). Cytogenetic location: 6p21.1.
Variant type: single nucleotide variant.
Coding change: c.3450C>G on transcript NM_001395490.1 (MANE Select); coding-DNA position 3450, C replaced by G.
Protein change: p.Pro1150=; no amino-acid change (proline 1150 retained).
Molecular consequence: synonymous variant.
Genome position (GRCh38, 1-based): chr6:42,228,534, G>C on the plus strand (C>G on the coding strand, the complement: TRERF1 is on the minus strand). VCF-style: chr6-42228534-G-C. GRCh37 (hg19) VCF-style: chr6-42196272-G-C.
Other names: c.3474C>G, p.Pro1158= (NM_001297573.2, NM_001297574.1); c.3414C>G, p.Pro1138= (NM_001391983.1, NM_033502.4); c.3201C>G, p.Pro1067= (NM_001391984.1).
Identifiers: ClinVar variation 2656549 (VCV002656549.24), dbSNP rs150908395, ClinGen allele CA3806037.

ClinVar aggregate classification (germline): Likely benign (1 of 4 stars; one submission).

Allele frequency attached by ClinVar (database versions not stated): 1000 Genomes Project 0.00020; 1000 Genomes Project 30x 0.00031.
gnomAD v4.1: 436 of 1,614,134 alleles (0.027%); highest among the groups gnomAD compares: Middle Eastern, 0.38%; no homozygotes.

Submission:

CeGaT Center for Human Genetics Tuebingen
Classification: Likely benign. Last evaluated: 2023-05-01. Review status: criteria provided, single submitter. Criteria: CeGaT Center For Human Genetics Tuebingen Variant Classification Criteria Version 2. Collection method: clinical testing. Allele origin: germline. Affected: yes. Observed: 1 variant allele.
Comment: TRERF1: BP4, BP7